The following is an entry in ClinVar:

ClinVar aggregate classification (germline): Pathogenic. Review status: criteria provided, single submitter (1 of 4 stars). 2 submissions from 2 submitters: Pathogenic (1). 1 of the submissions does not count toward it. Last evaluated 2022-11-11.

Conditions:
ARCN1-related disorder. Also called: ARCN1-related condition.

Submissions (2):

Centre of Medical Genetics, University Hospital Muenster
Classification: Pathogenic. Last evaluated: 2022-11-11. Review status: criteria provided, single submitter. Criteria: ACMG Guidelines, 2015. Collection method: clinical testing. Allele origin: de novo. Affected: yes. Observed: 1 variant allele, 1 heterozygote.
Comment: ACMG categories: PVS1,PS2,PS4,PM4

PreventionGenetics, part of Exact Sciences
Classification: Pathogenic for ARCN1-related condition. Last evaluated: 2024-07-29. Review status: no assertion criteria provided. Collection method: clinical testing. Allele origin: germline. Not counted in ClinVar's aggregate classification.
Comment: The ARCN1 c.862C>T variant is predicted to result in premature protein termination (p.Arg288*). To our knowledge, this variant has not been reported in the literature or in a large population database, indicating this variant is rare. Nonsense variants in ARCN1 are expected to be pathogenic. This variant is interpreted as pathogenic.

NM_001655.5(ARCN1):c.862C>T (p.Arg288Ter)

Gene: ARCN1 (archain 1 coat protein complex I subunit delta; plus strand). Cytogenetic location: 11q23.3.
Variant type: single nucleotide variant.
Coding change: c.862C>T on transcript NM_001655.5 (MANE Select); coding-DNA position 862, C replaced by T.
Protein change: p.Arg288Ter; replaces arginine 288 with a stop codon.
Molecular consequence: nonsense.
Genome position (GRCh38, 1-based): chr11:118,590,384, C>T. VCF-style: chr11-118590384-C-T. GRCh37 (hg19) VCF-style: chr11-118461099-C-T.
Other names: c.598C>T, p.Arg200Ter (NM_001142281.2); c.862C>T (NM_001655.4); short protein forms R200*, R288*.
Identifiers: ClinVar variation 2430360 (VCV002430360.2), dbSNP rs2497705812, ClinGen allele CA382810848.